The following is an entry in ClinVar:

NM_000548.5(TSC2):c.5125C>A (p.Pro1709Thr)

Gene: TSC2 (TSC complex subunit 2; plus strand). Cytogenetic location: 16p13.3.
Variant type: single nucleotide variant.
Coding change: c.5125C>A on transcript NM_000548.5 (MANE Select); coding-DNA position 5125, C replaced by A.
Protein change: p.Pro1709Thr; replaces proline 1709 with threonine.
Molecular consequence: missense variant.
Genome position (GRCh38, 1-based): chr16:2,088,104, C>A. VCF-style: chr16-2088104-C-A. GRCh37 (hg19) VCF-style: chr16-2138105-C-A.
Other names: c.4957C>A, p.Pro1653Thr (NM_001318832.2); c.4927C>A, p.Pro1643Thr (NM_001363528.2); c.4993C>A, p.Pro1665Thr (NM_001370404.1); c.4996C>A, p.Pro1666Thr (NM_001370405.1, NM_021055.3); c.5122C>A, p.Pro1708Thr (NM_001406663.1); c.5053C>A, p.Pro1685Thr (NM_001406664.1); c.5047C>A, p.Pro1683Thr (NM_001406665.1); c.5017C>A, p.Pro1673Thr (NM_001406667.1); and 26 more; short protein forms P1218T, P1442T, P1489T, P1623T, P1637T, P1638T, P1673T, P1443T.
Identifiers: ClinVar variation 2115346 (VCV002115346.4), dbSNP rs2091094853, ClinGen allele CA394312405.
Genomic context (GRCh38, chr16:2,088,104, plus strand): 5'-CCAGACATGGAGGGCCTTGTGGACACCAGCGTGGCCAAGATCGTGTCTGACCGCAACCTG[C>A]CCTTCGTGGCCCGCCAGATGGCCCTGCACGCAAATGTGAGTGGGGGTGGGTCCAGGCGTG-3'
Protein context (NP_000539.2, residues 1699-1719): VAKIVSDRNL[Pro1709Thr]FVARQMALHA

ClinVar aggregate classification (germline): Uncertain significance (1 of 4 stars; one submission).

Conditions:
Tuberous sclerosis 2 (TSC2). Identifiers: Orphanet 805, MedGen C1860707, MONDO:0013199, OMIM 613254.

Submission:

Labcorp Genetics (formerly Invitae), Labcorp
Classification: Uncertain significance for Tuberous sclerosis 2. Last evaluated: 2024-05-20. Review status: criteria provided, single submitter. Criteria: Invitae Variant Classification Sherloc (09022015). Collection method: clinical testing. Allele origin: germline.
Comment: This sequence change replaces proline, which is neutral and non-polar, with threonine, which is neutral and polar, at codon 1709 of the TSC2 protein (p.Pro1709Thr). This variant is not present in population databases (gnomAD no frequency). This variant has not been reported in the literature in individuals affected with TSC2-related conditions. ClinVar contains an entry for this variant (Variation ID: 2115346). Advanced modeling of protein sequence and biophysical properties (such as structural, functional, and spatial information, amino acid conservation, physicochemical variation, residue mobility, and thermodynamic stability) performed at Invitae indicates that this missense variant is not expected to disrupt TSC2 protein function with a negative predictive value of 95%. This variant disrupts the p.Pro1709 amino acid residue in TSC2. Other variant(s) that disrupt this residue have been determined to be pathogenic (PMID: 8824881, 10732801, 11112665, 11520734, 22867869, 22903760). This suggests that this residue is clinically significant, and that variants that disrupt this residue are likely to be disease-causing. In summary, the available evidence is currently insufficient to determine the role of this variant in disease. Therefore, it has been classified as a Variant of Uncertain Significance.

Literature cited by the submitters: PubMed 8824881; PubMed 10732801; PubMed 11112665; PubMed 11520734; PubMed 22867869; PubMed 22903760.